The following is an entry in ClinVar:

ClinVar aggregate classification (germline): Pathogenic (1 of 4 stars; one submission).

Conditions:
Multiple congenital exostosis (EXT). Also called: MULTIPLE CARTILAGINOUS EXOSTOSES; Hereditary multiple exostoses; Hereditary multiple exostosis; Hereditary multiple osteochondromas; Multiple osteochondromas; Multiple exostoses. Identifiers: Orphanet 321, MedGen C0015306, MONDO:0005508, HP:0002762.

Submission:

Labcorp Genetics (formerly Invitae), Labcorp
Classification: Pathogenic for Multiple congenital exostosis. Last evaluated: 2025-03-07. Review status: criteria provided, single submitter. Criteria: Invitae Variant Classification Sherloc (09022015). Collection method: clinical testing. Allele origin: germline.
Comment: This sequence change creates a premature translational stop signal (p.Thr279Profs*80) in the EXT1 gene. It is expected to result in an absent or disrupted protein product. Loss-of-function variants in EXT1 are known to be pathogenic (PMID: 10679937, 11391482, 19810120). This variant is not present in population databases (gnomAD no frequency). This variant has not been reported in the literature in individuals affected with EXT1-related conditions. For these reasons, this variant has been classified as Pathogenic.

Literature cited by the submitters: PubMed 10679937; PubMed 11391482; PubMed 19810120.

NM_000127.3(EXT1):c.835del (p.Thr279fs)

Gene: EXT1 (exostosin glycosyltransferase 1; minus strand). Cytogenetic location: 8q24.11.
Variant type: Deletion.
Coding change: c.835del on transcript NM_000127.3 (MANE Select); coding-DNA position 835, one base deleted (A; older notation c.835delA).
Protein change: p.Thr279fs; shifts the reading frame from threonine 279.
Molecular consequence: frameshift variant.
Genome position (GRCh38, 1-based): chr8:118,110,212, T deleted on the plus strand (A on the coding strand, the reverse complement: EXT1 is on the minus strand). VCF-style (leftmost placement, unchanged base first): chr8-118110211-GT-G. GRCh37 (hg19) VCF-style: chr8-119122450-GT-G.
Other names: short protein forms T279fs.
Identifiers: ClinVar variation 4713530 (VCV004713530.1).